The following is an entry in ClinVar:

ClinVar aggregate classification (germline): Benign/Likely benign. Review status: criteria provided, multiple submitters, no conflicts (2 of 4 stars). 7 submissions from 7 submitters: Benign (1); Likely benign (5). 1 of the submissions does not count toward it. Last evaluated 2026-05-01.

Conditions:
Pyruvate carboxylase deficiency. Also called: PC DEFICIENCY; ATAXIA WITH LACTIC ACIDOSIS II; Pyruvate Carboxylase Deficiency Disease; LEIGH NECROTIZING ENCEPHALOPATHY DUE TO PYRUVATE CARBOXYLASE DEFICIENCY; LEIGH SYNDROME DUE TO PYRUVATE CARBOXYLASE DEFICIENCY. Identifiers: Orphanet 3008, MedGen C0034341, MONDO:0009949, OMIM 266150.
PC-related disorder. Also called: PC-related condition.

Allele frequency attached by ClinVar (database versions not stated): gnomAD exomes 0.00015 and 0.00022; ExAC 0.00023; 1000 Genomes Project 30x 0.00047; 1000 Genomes Project 0.00060; gnomAD 0.00081 and 0.00088; ESP Exome Variant Server 0.00085; TOPMed 0.00094.
gnomAD v4.1: 346 of 1,614,108 alleles (0.021%); highest among the groups gnomAD compares: African/African-American, 0.28%; 1 homozygote.

Submissions (7):

CeGaT Center for Human Genetics Tuebingen
Classification: Likely benign. Last evaluated: 2026-05-01. Review status: criteria provided, single submitter. Criteria: CeGaT Center For Human Genetics Tuebingen Variant Classification Criteria Version 2. Collection method: clinical testing. Allele origin: germline. Affected: yes. Observed: 1 variant allele.
Comment: PC: BP4, BP7

Labcorp Genetics (formerly Invitae), Labcorp
Classification: Likely benign for Pyruvate carboxylase deficiency. Last evaluated: 2026-02-04. Review status: criteria provided, single submitter. Criteria: Invitae Variant Classification Sherloc (09022015). Collection method: clinical testing. Allele origin: germline.

Mayo Clinic Laboratories, Mayo Clinic
Classification: Likely benign. Last evaluated: 2025-02-11. Review status: criteria provided, single submitter. Criteria: ACMG Guidelines, 2015. Collection method: clinical testing. Allele origin: germline. Observed: 1 variant allele.
Comment: BS1, BP4, BP7

Blueprint Genetics
Classification: Likely benign. Last evaluated: 2024-03-05. Review status: criteria provided, single submitter. Criteria: ACMG Guidelines, 2015. Collection method: clinical testing. Allele origin: germline.

GeneDx
Classification: Benign. Last evaluated: 2015-08-13. Review status: criteria provided, single submitter. Criteria: GeneDx Variant Classification (06012015). Collection method: clinical testing. Allele origin: germline. Affected: yes.
Comment: This variant is considered likely benign or benign based on one or more of the following criteria: it is a conservative change, it occurs at a poorly conserved position in the protein, it is predicted to be benign by multiple in silico algorithms, and/or has population frequency not consistent with disease.

Breakthrough Genomics
Classification: Likely benign. Review status: criteria provided, single submitter. Criteria: ACMG Guidelines, 2015. Collection method: not provided. Allele origin: germline. Inheritance: Autosomal recessive inheritance. Affected: yes.

PreventionGenetics, part of Exact Sciences
Classification: Likely benign for PC-related condition. Last evaluated: 2020-01-21. Review status: no assertion criteria provided. Collection method: clinical testing. Allele origin: germline. Not counted in ClinVar's aggregate classification.
Comment: This variant is classified as likely benign based on ACMG/AMP sequence variant interpretation guidelines (Richards et al. 2015 PMID: 25741868, with internal and published modifications).

NM_001040716.2(PC):c.3342G>A (p.Ala1114=)

Gene: PC (pyruvate carboxylase; minus strand). Cytogenetic location: 11q13.2.
Variant type: single nucleotide variant.
Coding change: c.3342G>A on transcript NM_001040716.2 (MANE Select); coding-DNA position 3342, G replaced by A.
Protein change: p.Ala1114=; no amino-acid change (alanine 1114 retained).
Molecular consequence: synonymous variant.
Genome position (GRCh38, 1-based): chr11:66,849,094, C>T on the plus strand (G>A on the coding strand, the complement: PC is on the minus strand). VCF-style: chr11-66849094-C-T. GRCh37 (hg19) VCF-style: chr11-66616565-C-T.
Other names: p.Ala1114=; c.3342G>A, p.Ala1114= (NM_000920.4, NM_022172.3); c.3342G>A (NM_001040716.1).
Identifiers: ClinVar variation 378337 (VCV000378337.19), dbSNP rs141978731, ClinGen allele CA6130811.